The following is an entry in ClinVar:

NM_001148.6(ANK2):c.1613C>T (p.Ala538Val)

Gene: ANK2 (ankyrin 2; plus strand). Cytogenetic location: 4q26.
Variant type: single nucleotide variant.
Coding change: c.1613C>T on transcript NM_001148.6 (MANE Select); coding-DNA position 1613, C replaced by T.
Protein change: p.Ala538Val; replaces alanine 538 with valine.
Molecular consequence: missense variant.
Genome position (GRCh38, 1-based): chr4:113,274,579, C>T. VCF-style: chr4-113274579-C-T. GRCh37 (hg19) VCF-style: chr4-114195735-C-T.
Other names: c.1550C>T, p.Ala517Val (NM_001354275.2, NM_001386156.1, NM_001386161.1 and 14 more transcripts); c.1526C>T, p.Ala509Val (NM_001354276.2, NM_001386142.1, NM_001386154.1 and 13 more transcripts); c.1328C>T, p.Ala443Val (NM_001354277.2, NM_001386157.1, NM_001386158.1); c.1571C>T, p.Ala524Val (NM_001386160.1, NM_001354261.2, NM_001386147.1); c.1664C>T, p.Ala555Val (NM_001386174.1); c.1640C>T, p.Ala547Val (NM_001386175.1); c.1601C>T, p.Ala534Val (NM_001386186.2, NM_001386148.2); c.1577C>T, p.Ala526Val (NM_001386187.2); and 4 more; short protein forms A517V, A538V, A509V, A524V, A443V, A468V, A472V, A553V.
Identifiers: ClinVar variation 390500 (VCV000390500.12), dbSNP rs753139159, ClinGen allele CA3050319.

ClinVar aggregate classification (germline): Uncertain significance. Review status: criteria provided, multiple submitters, no conflicts (2 of 4 stars). 4 submissions from 4 submitters: Uncertain significance (4). Last evaluated 2025-10-13.

Conditions:
Cardiovascular phenotype. Identifiers: MedGen CN230736.
Cardiac arrhythmia, ankyrin-B-related. Also called: ANKYRIN-B SYNDROME. Identifiers: Orphanet 101016, Orphanet 768, MedGen C1970119, MONDO:0010958, OMIM 600919.
Long QT syndrome (LQTS). Identifiers: MedGen C0023976, MeSH D008133, MONDO:0002442. Disease mechanism: loss of function. Inheritance: Various modes of inheritance.

Allele frequency attached by ClinVar (database versions not stated): gnomAD 0.00001 and 0.00002; TOPMed 0.00001; gnomAD exomes 0.00002; ExAC 0.00003.
gnomAD v4.1: 25 of 1,614,086 alleles (0.0015%); highest among the groups gnomAD compares: Non-Finnish European, 0.0018%; no homozygotes.

Submissions (4):

Labcorp Genetics (formerly Invitae), Labcorp
Classification: Uncertain significance for Long QT syndrome. Last evaluated: 2025-10-13. Review status: criteria provided, single submitter. Criteria: Invitae Variant Classification Sherloc (09022015). Collection method: clinical testing. Allele origin: germline.
Comment: This sequence change replaces alanine, which is neutral and non-polar, with valine, which is neutral and non-polar, at codon 538 of the ANK2 protein (p.Ala538Val). This variant is present in population databases (rs753139159, gnomAD 0.004%). This variant has not been reported in the literature in individuals affected with ANK2-related conditions. ClinVar contains an entry for this variant (Variation ID: 390500). Invitae Evidence Modeling of protein sequence and biophysical properties (such as structural, functional, and spatial information, amino acid conservation, physicochemical variation, residue mobility, and thermodynamic stability) indicates that this missense variant is not expected to disrupt ANK2 protein function with a negative predictive value of 80%. In summary, the available evidence is currently insufficient to determine the role of this variant in disease. Therefore, it has been classified as a Variant of Uncertain Significance.

Ambry Genetics
Classification: Uncertain significance for Cardiovascular phenotype. Last evaluated: 2024-05-11. Review status: criteria provided, single submitter. Criteria: Ambry Variant Classification Scheme 2023. Collection method: clinical testing. Allele origin: germline.
Comment: The p.A538V variant (also known as c.1613C>T), located in coding exon 15 of the ANK2 gene, results from a C to T substitution at nucleotide position 1613. The alanine at codon 538 is replaced by valine, an amino acid with similar properties. This amino acid position is highly conserved in available vertebrate species. In addition, this alteration is predicted to be deleterious by in silico analysis. Since supporting evidence is limited at this time, the clinical significance of this alteration remains unclear.

GeneDx
Classification: Uncertain significance. Last evaluated: 2022-10-11. Review status: criteria provided, single submitter. Criteria: GeneDx Variant Classification Process June 2021. Collection method: clinical testing. Allele origin: germline. Affected: yes.
Comment: Has not been previously published as pathogenic or benign to our knowledge; Not observed at significant frequency in large population cohorts (gnomAD); In silico analysis supports that this missense variant has a deleterious effect on protein structure/function

Fulgent Genetics
Classification: Uncertain significance for Cardiac arrhythmia, ankyrin-B-related. Last evaluated: 2021-08-24. Review status: criteria provided, single submitter. Criteria: ACMG Guidelines, 2015. Collection method: clinical testing. Allele origin: unknown.